The following is an entry in ClinVar:

NM_004438.5(EPHA4):c.874A>G (p.Lys292Glu)

Gene: EPHA4 (EPH receptor A4; minus strand). Cytogenetic location: 2q36.1.
Variant type: single nucleotide variant.
Coding change: c.874A>G on transcript NM_004438.5 (MANE Select); coding-DNA position 874, A replaced by G.
Protein change: p.Lys292Glu; replaces lysine 292 with glutamic acid.
Molecular consequence: missense variant.
Genome position (GRCh38, 1-based): chr2:221,501,122, T>C on the plus strand (A>G on the coding strand, the complement: EPHA4 is on the minus strand). VCF-style: chr2-221501122-T-C. GRCh37 (hg19) VCF-style: chr2-222365842-T-C.
Other names: c.874A>G, p.Lys292Glu (NM_001304536.2, NM_001363748.2); c.721A>G, p.Lys241Glu (NM_001304537.2); short protein forms K241E, K292E.
Identifiers: ClinVar variation 1935760 (VCV001935760.5), dbSNP rs1175746778, ClinGen allele CA350408995.

ClinVar aggregate classification (germline): Uncertain significance (1 of 4 stars; one submission).

Allele frequency attached by ClinVar (database versions not stated): gnomAD exomes below 0.00001; TOPMed below 0.00001.
gnomAD v4.1: 2 of 1,613,118 alleles (0.00012%); highest among the groups gnomAD compares: Admixed American, 0.0033%; no homozygotes.

Submission:

Labcorp Genetics (formerly Invitae), Labcorp
Classification: Uncertain significance. Last evaluated: 2022-06-22. Review status: criteria provided, single submitter. Criteria: Invitae Variant Classification Sherloc (09022015). Collection method: clinical testing. Allele origin: germline.
Comment: In summary, the available evidence is currently insufficient to determine the role of this variant in disease. Therefore, it has been classified as a Variant of Uncertain Significance. Algorithms developed to predict the effect of missense changes on protein structure and function (SIFT, PolyPhen-2, Align-GVGD) all suggest that this variant is likely to be disruptive. This variant has not been reported in the literature in individuals affected with EPHA4-related conditions. This variant is present in population databases (no rsID available, gnomAD 0.003%). This sequence change replaces lysine, which is basic and polar, with glutamic acid, which is acidic and polar, at codon 292 of the EPHA4 protein (p.Lys292Glu).